The following is an entry in ClinVar:

ClinVar aggregate classification (germline): Benign (1 of 4 stars; one submission).

Submission:

Unidad de Genómica Garrahan, Hospital de Pediatría Garrahan
Classification: Benign. Last evaluated: 2023-11-12. Review status: criteria provided, single submitter. Criteria: ACMG Guidelines, 2015. Collection method: clinical testing. Allele origin: germline. Affected: no. Observed: 41 variant alleles.
Comment: This variant is classified as Benign based on local population frequency. This variant was detected in 43% of patients studied by a panel of primary immunodeficiencies. Number of patients: 41. Only high quality variants are reported.

NM_031483.7(ITCH):c.966-10dup

Gene: ITCH (itchy E3 ubiquitin protein ligase; plus strand). Cytogenetic location: 20q11.22.
Variant type: Duplication.
Coding change: c.966-10dup on transcript NM_031483.7 (MANE Select); 10 bases into the intron before coding-DNA position 966, one base duplicated (T; older notation c.966-10dupT).
Molecular consequence: intron variant.
Genome position (GRCh38, 1-based): chr20:34,445,277, T duplicated; the last of 17 consecutive T bases (chr20:34,445,261-34,445,277); duplicating any one gives the same sequence. VCF-style (leftmost placement, unchanged base first): chr20-34445260-G-GT. GRCh37 (hg19) VCF-style: chr20-33033065-G-GT.
Other names: c.1089-10dup (NM_001324197.2, NM_001257137.3); c.966-10dup (NM_001324198.2); c.636-10dup (NM_001257138.3).
Identifiers: ClinVar variation 2628201 (VCV002628201.2), dbSNP rs376762756, ClinGen allele CA9821497.
Genomic context (GRCh38, chr20:34,445,260, plus strand): 5'-AAAGTAGTTTCTCAAGGTAAAATATTCTATCTGTTTCACAAGTATTTGTTGAATTAGCTT[G>GT]TTTTTTTTTTTTTTTTTCTGATTTAGCTGGGAACGGCGGGTTGACAACATGGGACGTATT-3'